The following is an entry in ClinVar:

NM_001370785.2(LRRC7):c.3544G>A (p.Gly1182Ser)

Genes: LRRC7 (leucine rich repeat containing 7; plus strand), LRRC7-AS1 (LRRC7 antisense RNA 1; minus strand). Cytogenetic location: 1p31.1.
Variant type: single nucleotide variant.
Coding change: c.3544G>A on transcript NM_001370785.2 (MANE Select); coding-DNA position 3544, G replaced by A.
Protein change: p.Gly1182Ser; replaces glycine 1182 with serine.
Molecular consequence: missense variant.
Genome position (GRCh38, 1-based): chr1:70,039,368, G>A. VCF-style: chr1-70039368-G-A. GRCh37 (hg19) VCF-style: chr1-70505051-G-A.
Other names: c.3445G>A, p.Gly1149Ser (NM_001330635.3, NM_001366841.1); c.3547G>A, p.Gly1183Ser (NM_001350216.3); c.3544G>A, p.Gly1182Ser (NM_001366838.3); c.3385G>A, p.Gly1129Ser (NM_001366839.3); short protein forms G1129S, G1149S, G1182S, G1183S.
Identifiers: ClinVar variation 3898308 (VCV003898308.7).

ClinVar aggregate classification (germline): Likely benign (1 of 4 stars; one submission).

gnomAD v4.1: 1,059 of 1,614,032 alleles (0.066%); highest among the groups gnomAD compares: African/African-American, 1.2%; 9 homozygotes.

Submission:

CeGaT Center for Human Genetics Tuebingen
Classification: Likely benign. Last evaluated: 2026-07-01. Review status: criteria provided, single submitter. Criteria: CeGaT Center For Human Genetics Tuebingen Variant Classification Criteria Version 2. Collection method: clinical testing. Allele origin: germline. Affected: yes. Observed: 2 variant alleles.
Comment: LRRC7: BP4, BS1